The following is an entry in ClinVar:

NM_000059.4(BRCA2):c.3397C>A (p.Pro1133Thr)

Gene: BRCA2 (BRCA2 DNA repair associated; plus strand). Cytogenetic location: 13q13.1.
Variant type: single nucleotide variant.
Coding change: c.3397C>A on transcript NM_000059.4 (MANE Select); coding-DNA position 3397, C replaced by A.
Protein change: p.Pro1133Thr; replaces proline 1133 with threonine.
Molecular consequence: missense variant.
Genome position (GRCh38, 1-based): chr13:32,337,752, C>A. VCF-style: chr13-32337752-C-A. GRCh37 (hg19) VCF-style: chr13-32911889-C-A.
Other names: short protein forms P1133T.
Identifiers: ClinVar variation 1441861 (VCV001441861.9), dbSNP rs786202430, ClinGen allele CA387776464.
Genomic context (GRCh38, chr13:32,337,752, plus strand): 5'-GAACTTTCTACTATATTAGAAGAATCAGGAAGTCAGTTTGAATTTACTCAGTTTAGAAAA[C>A]CAAGCTACATATTGCAGAAGAGTACATTTGAAGTGCCTGAAAACCAGATGACTATCTTAA-3'
Protein context (NP_000050.3, residues 1123-1143): SQFEFTQFRK[Pro1133Thr]SYILQKSTFE

ClinVar aggregate classification (germline): Conflicting classifications of pathogenicity. Review status: criteria provided, conflicting classifications (1 of 4 stars). 2 submissions from 2 submitters: Uncertain significance (1); Likely benign (1). Last evaluated 2023-03-23.

Conditions:
Hereditary cancer-predisposing syndrome. Also called: Tumor predisposition; Hereditary Cancer Syndrome; Hereditary neoplastic syndrome; Neoplastic Syndromes, Hereditary. Identifiers: Orphanet 140162, MedGen C0027672, MeSH D009386, MONDO:0015356.
Hereditary breast ovarian cancer syndrome. Also called: Hereditary breast and ovarian cancer; Hereditary breast and ovarian cancer syndrome; Breast and ovarian cancer; BRCA1- and BRCA2-Associated Hereditary Breast and Ovarian Cancer; Hereditary breast and/or ovarian cancer syndrome; Hereditary breast and ovarian cancer syndrome (HBOC). Identifiers: Orphanet 145, MedGen C0677776, MeSH D061325, MONDO:0003582. Disease mechanism: loss of function.

Submissions (2):

University of Washington Department of Laboratory Medicine, University of Washington
Classification: Likely benign for Hereditary cancer-predisposing syndrome. Last evaluated: 2023-03-23. Review status: criteria provided, single submitter. Criteria: Dines et al. (Genet Med. 2020). Collection method: curation. Allele origin: germline.
Comment: Missense variant in a coldspot region where missense variants are very unlikely to be pathogenic (PMID:31911673).

BRCA2 exon 11 coldspot. Reclassification based on statistical prior probability.

Labcorp Genetics (formerly Invitae), Labcorp
Classification: Uncertain significance for Hereditary breast ovarian cancer syndrome. Last evaluated: 2021-05-27. Review status: criteria provided, single submitter. Criteria: Invitae Variant Classification Sherloc (09022015). Collection method: clinical testing. Allele origin: germline.
Comment: In summary, the available evidence is currently insufficient to determine the role of this variant in disease. Therefore, it has been classified as a Variant of Uncertain Significance. Advanced modeling of protein sequence and biophysical properties (such as structural, functional, and spatial information, amino acid conservation, physicochemical variation, residue mobility, and thermodynamic stability) performed at Invitae indicates that this missense variant is not expected to disrupt BRCA2 protein function. This variant has not been reported in the literature in individuals with BRCA2-related conditions. This variant is not present in population databases (ExAC no frequency). This sequence change replaces proline with threonine at codon 1133 of the BRCA2 protein (p.Pro1133Thr). The proline residue is weakly conserved and there is a small physicochemical difference between proline and threonine.